The following is an entry in ClinVar:

NM_003285.3(TNR):c.3537A>G (p.Val1179=)

Gene: TNR (tenascin R; minus strand). Cytogenetic location: 1q25.1.
Variant type: single nucleotide variant.
Coding change: c.3537A>G on transcript NM_003285.3 (MANE Select); coding-DNA position 3537, A replaced by G.
Protein change: p.Val1179=; no amino-acid change (valine 1179 retained).
Molecular consequence: synonymous variant.
Genome position (GRCh38, 1-based): chr1:175,335,805, T>C on the plus strand (A>G on the coding strand, the complement: TNR is on the minus strand). VCF-style: chr1-175335805-T-C. GRCh37 (hg19) VCF-style: chr1-175304941-T-C.
Other names: c.2538A>G, p.Val846= (NM_001328635.2).
Identifiers: ClinVar variation 3239135 (VCV003239135.19), dbSNP rs35332088.

ClinVar aggregate classification (germline): Likely benign (1 of 4 stars; one submission).

Allele frequency attached by ClinVar (database versions not stated): gnomAD exomes 0.00026; ESP Exome Variant Server 0.00031; gnomAD 0.00032; TOPMed 0.00036; ExAC 0.00040.
gnomAD v4.1: 463 of 1,613,388 alleles (0.029%); highest among the groups gnomAD compares: Admixed American, 0.03%; no homozygotes.

Submission:

CeGaT Center for Human Genetics Tuebingen
Classification: Likely benign. Last evaluated: 2024-05-01. Review status: criteria provided, single submitter. Criteria: CeGaT Center For Human Genetics Tuebingen Variant Classification Criteria Version 2. Collection method: clinical testing. Allele origin: germline. Affected: yes. Observed: 1 variant allele.
Comment: TNR: BP4, BP7